The following is an entry in ClinVar:

ClinVar aggregate classification (germline): Uncertain significance (1 of 4 stars; one submission).

Conditions:
Neuromuscular disease caused by qualitative or quantitative defects of dysferlin. Also called: Qualitative or quantitative defects of dysferlin; Dysferlinopathy. Identifiers: Orphanet 207073, MedGen C2931687, MONDO:0016145.

Submission:

Labcorp Genetics (formerly Invitae), Labcorp
Classification: Uncertain significance for Neuromuscular disease caused by qualitative or quantitative defects of dysferlin. Last evaluated: 2022-09-07. Review status: criteria provided, single submitter. Criteria: Invitae Variant Classification Sherloc (09022015). Collection method: clinical testing. Allele origin: germline.
Comment: This sequence change falls in intron 8 of the DYSF gene. It does not directly change the encoded amino acid sequence of the DYSF protein. It affects a nucleotide within the consensus splice site. Information on the frequency of this variant in the gnomAD database is not available, as this variant may be reported differently in the database. This variant has not been reported in the literature in individuals affected with DYSF-related conditions. ClinVar contains an entry for this variant (Variation ID: 1024313). Variants that disrupt the consensus splice site are a relatively common cause of aberrant splicing (PMID: 17576681, 9536098). Algorithms developed to predict the effect of sequence changes on RNA splicing suggest that this variant may disrupt the consensus splice site. In summary, the available evidence is currently insufficient to determine the role of this variant in disease. Therefore, it has been classified as a Variant of Uncertain Significance.

Literature cited by the submitters: PubMed 17576681; PubMed 9536098.

NM_001130987.2(DYSF):c.951+4_951+5delinsCC

Gene: DYSF (dysferlin; plus strand). Cytogenetic location: 2p13.2.
Variant type: Indel.
Coding change: c.951+4_951+5delinsCC on transcript NM_001130987.2 (MANE Select); bases 4 to 5 of the intron after coding-DNA position 951, TG replaced by CC.
Molecular consequence: intron variant.
Genome position (GRCh38, 1-based): chr2:71,516,246-71,516,247, TG replaced by CC. VCF-style: chr2-71516246-TG-CC. GRCh37 (hg19) VCF-style: chr2-71743376-TG-CC.
Other names: c.948+4_948+5delinsCC (NM_001130979.2, NM_001130981.2, NM_001130980.2); c.855+4_855+5delinsCC (NM_001130978.2, NM_003494.4, NM_001130977.2 and 1 more transcripts); c.951+4_951+5delinsCC (NM_001130982.2, NM_001130985.2); c.858+4_858+5delinsCC (NM_001130983.2, NM_001130455.2, NM_001130984.2 and 1 more transcripts).
Identifiers: ClinVar variation 1024313 (VCV001024313.6), dbSNP rs2086638627, ClinGen allele CA1260078531.